The following is an entry in ClinVar:

ClinVar aggregate classification (germline): Likely benign. Review status: criteria provided, single submitter (1 of 4 stars). 2 submissions from 2 submitters: Likely benign (1). 1 of the submissions does not count toward it. Last evaluated 2018-08-15.

Conditions:
SEMA3A-related disorder. Also called: SEMA3A-related condition.

Allele frequency attached by ClinVar (database versions not stated): ExAC 0.00002; gnomAD exomes 0.00002.
gnomAD v4.1: 5 of 1,612,832 alleles (0.00031%); highest among the groups gnomAD compares: Admixed American, 0.0083%; no homozygotes.

Submissions (2):

Labcorp Genetics (formerly Invitae), Labcorp
Classification: Likely benign. Last evaluated: 2018-08-15. Review status: criteria provided, single submitter. Criteria: Invitae Variant Classification Sherloc (09022015). Collection method: clinical testing. Allele origin: germline.

PreventionGenetics, part of Exact Sciences
Classification: Likely benign for SEMA3A-related condition. Last evaluated: 2023-08-17. Review status: no assertion criteria provided. Collection method: clinical testing. Allele origin: germline. Not counted in ClinVar's aggregate classification.
Comment: This variant is classified as likely benign based on ACMG/AMP sequence variant interpretation guidelines (Richards et al. 2015 PMID: 25741868, with internal and published modifications).

NM_006080.3(SEMA3A):c.552A>G (p.Gly184=)

Gene: SEMA3A (semaphorin 3A; minus strand). Cytogenetic location: 7q21.11.
Variant type: single nucleotide variant.
Coding change: c.552A>G on transcript NM_006080.3 (MANE Select); coding-DNA position 552, A replaced by G.
Protein change: p.Gly184=; no amino-acid change (glycine 184 retained).
Molecular consequence: synonymous variant.
Genome position (GRCh38, 1-based): chr7:84,046,439, T>C on the plus strand (A>G on the coding strand, the complement: SEMA3A is on the minus strand). VCF-style: chr7-84046439-T-C. GRCh37 (hg19) VCF-style: chr7-83675755-T-C.
Identifiers: ClinVar variation 764803 (VCV000764803.5), dbSNP rs771847294, ClinGen allele CA4322966.